The following is an entry in ClinVar:

NM_001042432.2(CLN3):c.707C>T (p.Ala236Val)

Gene: CLN3 (CLN3 lysosomal/endosomal transmembrane protein, battenin; minus strand). Cytogenetic location: 16p12.1.
Variant type: single nucleotide variant.
Coding change: c.707C>T on transcript NM_001042432.2 (MANE Select); coding-DNA position 707, C replaced by T.
Protein change: p.Ala236Val; replaces alanine 236 with valine.
Molecular consequence: missense variant.
Genome position (GRCh38, 1-based): chr16:28,484,089, G>A on the plus strand (C>T on the coding strand, the complement: CLN3 is on the minus strand). VCF-style: chr16-28484089-G-A. GRCh37 (hg19) VCF-style: chr16-28495410-G-A.
Other names: c.707C>T, p.Ala236Val (NM_000086.2); c.635C>T, p.Ala212Val (NM_001286104.2); c.407C>T, p.Ala136Val (NM_001286105.2); c.473C>T, p.Ala158Val (NM_001286109.2); c.545C>T, p.Ala182Val (NM_001286110.2); short protein forms A236V, A158V, A212V, A136V, A182V.
Identifiers: ClinVar variation 452304 (VCV000452304.6), dbSNP rs754906598, ClinGen allele CA7980843.
Genomic context (GRCh38, chr16:28,484,089, plus strand): 5'-GTTCTTATGAGGGGCTGCCGGGCTGCGCTCTCTGCTTCTTCTTCCCCTCCAGGGTCCTGG[G>A]CCTCAGGAGATGTGAGCAACAAGAAATAGCTAGGAGTAGGATGAAGGCAGGGTCAGAAAA-3'
Protein context (NP_001035897.1, residues 226-246): SYFLLLTSPE[Ala236Val]QDPGGEEEAE

ClinVar aggregate classification (germline): Uncertain significance. Review status: criteria provided, multiple submitters, no conflicts (2 of 4 stars). 2 submissions from 2 submitters: Uncertain significance (2). Last evaluated 2026-01-17.

Conditions:
Neuronal ceroid lipofuscinosis. Also called: Neuronal Ceroid Lipofuscinoses. Identifiers: Orphanet 216, Orphanet 79263, MedGen C0027877, MONDO:0016295. Disease mechanism: loss of function.

Allele frequency attached by ClinVar (database versions not stated): gnomAD exomes below 0.00001; TOPMed below 0.00001; ExAC 0.00001.
gnomAD v4.1: 6 of 1,611,950 alleles (0.00037%); highest among the groups gnomAD compares: Admixed American, 0.005%; no homozygotes.

Submissions (2):

Labcorp Genetics (formerly Invitae), Labcorp
Classification: Uncertain significance for Neuronal ceroid lipofuscinosis. Last evaluated: 2026-01-17. Review status: criteria provided, single submitter. Criteria: Invitae Variant Classification Sherloc (09022015). Collection method: clinical testing. Allele origin: germline.
Comment: This sequence change replaces alanine, which is neutral and non-polar, with valine, which is neutral and non-polar, at codon 236 of the CLN3 protein (p.Ala236Val). The frequency data for this variant in the population databases is considered unreliable, as metrics indicate poor data quality at this position in the gnomAD database. This variant has not been reported in the literature in individuals affected with CLN3-related conditions. ClinVar contains an entry for this variant (Variation ID: 452304). Invitae Evidence Modeling of protein sequence and biophysical properties (such as structural, functional, and spatial information, amino acid conservation, physicochemical variation, residue mobility, and thermodynamic stability) indicates that this missense variant is not expected to disrupt CLN3 protein function with a negative predictive value of 80%. In summary, the available evidence is currently insufficient to determine the role of this variant in disease. Therefore, it has been classified as a Variant of Uncertain Significance.

GeneDx
Classification: Uncertain significance. Last evaluated: 2017-09-22. Review status: criteria provided, single submitter. Criteria: GeneDx Variant Classification (06012015). Collection method: clinical testing. Allele origin: germline. Affected: yes.
Comment: A variant of uncertain significance has been identified in the CLN3 gene. The c.707 C>T variant has not been published as a pathogenic variant, nor has it been reported as a benign variant to our knowledge. The c.707 C>T variant is not observed in large population cohorts (Lek et al., 2016). Several in-silico splice prediction models predict that c.707 C>T creates a cryptic acceptor site which may supplant the natural acceptor site and lead to abnormal gene splicing. However, in the absence of RNA/functional studies, the actual effect of this sequence change in this individual is unknown. Therefore, based on the currently available information, it is unclear whether this variant is a pathogenic variant or a rare benign variant.